The following is an entry in ClinVar:

NM_000064.4(C3):c.2072G>A (p.Arg691His)

Gene: C3 (complement C3; minus strand). Cytogenetic location: 19p13.3.
Variant type: single nucleotide variant.
Coding change: c.2072G>A on transcript NM_000064.4 (MANE Select); coding-DNA position 2072, G replaced by A.
Protein change: p.Arg691His; replaces arginine 691 with histidine.
Molecular consequence: missense variant.
Genome position (GRCh38, 1-based): chr19:6,707,249, C>T on the plus strand (G>A on the coding strand, the complement: C3 is on the minus strand). VCF-style: chr19-6707249-C-T. GRCh37 (hg19) VCF-style: chr19-6707260-C-T.
Other names: c.2072G>A (NM_000064.3); short protein forms R691H.
Identifiers: ClinVar variation 4807282 (VCV004807282.2).
Genomic context (GRCh38, chr19:6,707,249, plus strand): 5'-GTCCGGCGCTGGCACGAGAACCTCATGGGGTTCTCCCGCATGCCGTCCTCGCAGCACTTG[C>T]GCAGCTCCTTGGGGTACTTGCCGACTGCGGGAGCACGTGTTCCCCCAGGCCACACCCTCA-3'
Protein context (NP_000055.2, residues 681-701): DKVGKYPKEL[Arg691His]KCCEDGMREN

ClinVar aggregate classification (germline): Uncertain significance. Review status: criteria provided, multiple submitters, no conflicts (2 of 4 stars). 2 submissions from 2 submitters: Uncertain significance (2). Last evaluated 2026-04-12.

gnomAD v4.1: 1 of 1,612,136 alleles (0.000062%); no homozygotes.

Submissions (2):

GeneDx
Classification: Uncertain significance. Last evaluated: 2026-04-12. Review status: criteria provided, single submitter. Criteria: GeneDx Variant Classification Process June 2021. Collection method: clinical testing. Allele origin: germline.
Comment: Identified in a patient with focal and segmental glomerulosclerosis, however the patient harbored variants in other genes that may have contributed to the phenotype (PMID: 31308072); Not observed at significant frequency in large population cohorts (gnomAD); In silico analysis supports that this missense variant has a deleterious effect on protein structure/function; This variant is associated with the following publications: (PMID: 31308072)

Labcorp Genetics (formerly Invitae), Labcorp
Classification: Uncertain significance. Last evaluated: 2025-07-16. Review status: criteria provided, single submitter. Criteria: Invitae Variant Classification Sherloc (09022015). Collection method: clinical testing. Allele origin: germline.
Comment: This sequence change replaces arginine, which is basic and polar, with histidine, which is basic and polar, at codon 691 of the C3 protein (p.Arg691His). This variant is not present in population databases (gnomAD no frequency). This missense change has been observed in individual(s) with clinical features of focal and segmental glomerulosclerosis (PMID: 31308072). Invitae Evidence Modeling of protein sequence and biophysical properties (such as structural, functional, and spatial information, amino acid conservation, physicochemical variation, residue mobility, and thermodynamic stability) indicates that this missense variant is not expected to disrupt C3 protein function with a negative predictive value of 80%. In summary, the available evidence is currently insufficient to determine the role of this variant in disease. Therefore, it has been classified as a Variant of Uncertain Significance.

Literature cited by the submitters: PubMed 31308072 (cited by Labcorp Genetics (formerly Invitae), Labcorp).